The following is an entry in ClinVar:

NM_001378454.1(ALMS1):c.5918C>A (p.Pro1973Gln)

Gene: ALMS1 (ALMS1 centrosome and basal body associated protein; plus strand). Cytogenetic location: 2p13.1.
Variant type: single nucleotide variant.
Coding change: c.5918C>A on transcript NM_001378454.1 (MANE Select); coding-DNA position 5918, C replaced by A.
Protein change: p.Pro1973Gln; replaces proline 1973 with glutamine.
Molecular consequence: missense variant.
Genome position (GRCh38, 1-based): chr2:73,452,445, C>A. VCF-style: chr2-73452445-C-A. GRCh37 (hg19) VCF-style: chr2-73679572-C-A.
Other names: c.5921C>A, p.Pro1974Gln (NM_015120.4); short protein forms P1974Q, P1973Q.
Identifiers: ClinVar variation 599292 (VCV000599292.16), dbSNP rs199615641, ClinGen allele CA1713960.

ClinVar aggregate classification (germline): Conflicting classifications of pathogenicity. Review status: criteria provided, conflicting classifications (1 of 4 stars). 8 submissions from 8 submitters: Uncertain significance (6); Likely benign (2). Last evaluated 2025-08-14.

Conditions:
Cardiovascular phenotype. Identifiers: MedGen CN230736.
Monogenic diabetes. Identifiers: Orphanet 183625, MedGen C3888631, MONDO:0015967.
Alstrom syndrome (ALMS). Identifiers: Orphanet 64, MedGen C0268425, MONDO:0008763, OMIM 203800.

Allele frequency attached by ClinVar (database versions not stated): ESP Exome Variant Server 0.00042; ExAC 0.00012; gnomAD 0.00022; TOPMed 0.00022.
gnomAD v4.1: 474 of 1,613,892 alleles (0.029%); highest among the groups gnomAD compares: Non-Finnish European, 0.037%; no homozygotes.

Submissions (8):

GeneDx
Classification: Uncertain significance. Last evaluated: 2025-08-14. Review status: criteria provided, single submitter. Criteria: GeneDx Variant Classification Process June 2021. Collection method: clinical testing. Allele origin: germline. Affected: yes.
Comment: Observed in the heterozygous state in a patient with DCM in published literature (PMID: 32746448); In silico analysis suggests that this missense variant does not alter protein structure/function; This variant is associated with the following publications: (PMID: 33669459, 25846608, 34148947, 32746448)

Blueprint Genetics
Classification: Uncertain significance. Last evaluated: 2024-07-30. Review status: criteria provided, single submitter. Criteria: ACMG Guidelines, 2015. Collection method: clinical testing. Allele origin: germline.

Ambry Genetics
Classification: Likely benign for Cardiovascular phenotype. Last evaluated: 2023-11-27. Review status: criteria provided, single submitter. Criteria: Ambry Variant Classification Scheme 2023. Collection method: clinical testing. Allele origin: germline.

Labcorp Genetics (formerly Invitae), Labcorp
Classification: Uncertain significance for Alstrom syndrome. Last evaluated: 2022-10-25. Review status: criteria provided, single submitter. Criteria: Invitae Variant Classification Sherloc (09022015). Collection method: clinical testing. Allele origin: germline.
Comment: This sequence change replaces proline, which is neutral and non-polar, with glutamine, which is neutral and polar, at codon 1974 of the ALMS1 protein (p.Pro1974Gln). This variant is present in population databases (rs199615641, gnomAD 0.05%). This variant has not been reported in the literature in individuals affected with ALMS1-related conditions. ClinVar contains an entry for this variant (Variation ID: 599292). Experimental studies and prediction algorithms are not available or were not evaluated, and the functional significance of this variant is currently unknown. In summary, the available evidence is currently insufficient to determine the role of this variant in disease. Therefore, it has been classified as a Variant of Uncertain Significance.

Laboratory for Molecular Medicine, Mass General Brigham Personalized Medicine
Classification: Uncertain significance. Last evaluated: 2018-09-10. Review status: criteria provided, single submitter. Criteria: LMM Criteria. Collection method: clinical testing. Allele origin: germline. Observed: 1 variant allele.
Comment: The p.Pro1974Gln variant in ALMS1 has not been previously reported in individual s with hearing loss or Alstrom syndrome but it has been identified in 5/10104 As hkenazi Jewish chromosomes and 41/125726 European chromosomes by the Genome Aggr egation Database (gnomAD). Computational predi ction tools and conservation analysis suggest that the p.Pro1974Gln variant may not impact the protein, though this information is not predictive enough to rule out pathogenicity. In summary, the clinical significance of the p.Pro1974Gln va riant is uncertain. ACMG/AMP Criteria applied: BP4, PM2_Supporting.

Women's Health and Genetics/Laboratory Corporation of America, LabCorp
Classification: Uncertain significance. Last evaluated: 2018-08-06. Review status: criteria provided, single submitter. Criteria: LabCorp Variant Classification Summary - May 2015. Collection method: clinical testing. Allele origin: germline.
Comment: Variant summary: ALMS1 c.5915C>A (p.Pro1972Gln, alternative name c.5921C>A) results in a non-conservative amino acid change in the encoded protein sequence. Four of five in-silico tools predict a benign effect of the variant on protein function. The variant allele was found at a frequency of 0.00017 in 275940 control chromosomes (gnomAD). This frequency is not significantly higher than expected for a pathogenic variant in ALMS1 causing Cardiomyopathy (0.00017 vs 0.0022), allowing no conclusion about variant significance. To our knowledge, no occurrence of c.5915C>A in individuals affected with Cardiomyopathy and no experimental evidence demonstrating its impact on protein function have been reported. No clinical diagnostic laboratories have submitted clinical-significance assessments for this variant to ClinVar after 2014. Based on the evidence outlined above, the variant was classified as uncertain significance.

Personalized Diabetes Medicine Program, University of Maryland School of Medicine
Classification: Likely benign for Monogenic diabetes. Last evaluated: 2017-10-06. Review status: criteria provided, single submitter. Criteria: ACMG Guidelines, 2015. Collection method: research. Allele origin: unknown. Observed: 2 variant alleles, 2 heterozygotes.
Comment: ACMG criteria: BP4 (7 predictors), BP1 (missense variant when truncating is disease causing)=likely benign

Clinical Genomics, Uppaluri K&H Personalized Medicine Clinic
Classification: Uncertain significance for Alstrom syndrome. Review status: criteria provided, single submitter. Criteria: K & H Uppaluri Personalized Medicine Clinic Variant Classification & Assertion Criteria_Updated V.1. Collection method: research. Allele origin: unknown. Inheritance: Autosomal recessive inheritance.
Comment: Potent mutations in ALMS1 are associated with a rare condition called Alstrom syndrome. It can cause excessive eating, insulin resistance. However, no evidence is found to ascertain the role of rs199615641 in Alstrom syndrome yet.

Literature cited by the submitters: PubMed 32746448 (cited by Ambry Genetics); PubMed 34148947 (cited by Clinical Genomics, Uppaluri K&H Personalized Medicine Clinic); PubMed 25846608 (cited by Clinical Genomics, Uppaluri K&H Personalized Medicine Clinic); PubMed 30421101 (cited by Clinical Genomics, Uppaluri K&H Personalized Medicine Clinic); PubMed 33669459 (cited by Clinical Genomics, Uppaluri K&H Personalized Medicine Clinic).